The following is an entry in ClinVar:

NM_000075.4(CDK4):c.458C>T (p.Thr153Ile)

Gene: CDK4 (cyclin dependent kinase 4; minus strand). Cytogenetic location: 12q14.1.
Variant type: single nucleotide variant.
Coding change: c.458C>T on transcript NM_000075.4 (MANE Select); coding-DNA position 458, C replaced by T.
Protein change: p.Thr153Ile; replaces threonine 153 with isoleucine.
Molecular consequence: missense variant.
Genome position (GRCh38, 1-based): chr12:57,750,987, G>A on the plus strand (C>T on the coding strand, the complement: CDK4 is on the minus strand). VCF-style: chr12-57750987-G-A. GRCh37 (hg19) VCF-style: chr12-58144770-G-A.
Other names: short protein forms T153I.
Identifiers: ClinVar variation 483279 (VCV000483279.15), dbSNP rs1443076952, ClinGen allele CA385546402.

ClinVar aggregate classification (germline): Uncertain significance. Review status: criteria provided, multiple submitters, no conflicts (2 of 4 stars). 3 submissions from 3 submitters: Uncertain significance (3). Last evaluated 2024-12-22.

Conditions:
Familial melanoma. Also called: Hereditary melanoma; Hereditary cutaneous melanoma. Identifiers: Orphanet 618, MedGen C1512419, MONDO:0018961.
Hereditary cancer-predisposing syndrome. Also called: Neoplastic Syndromes, Hereditary; Tumor predisposition; Hereditary Cancer Syndrome; Hereditary neoplastic syndrome. Identifiers: Orphanet 140162, MedGen C0027672, MeSH D009386, MONDO:0015356.

Allele frequency attached by ClinVar (database versions not stated): TOPMed below 0.00001; gnomAD 0.00001.

Submissions (3):

Labcorp Genetics (formerly Invitae), Labcorp
Classification: Uncertain significance for Familial melanoma. Last evaluated: 2024-12-22. Review status: criteria provided, single submitter. Criteria: Invitae Variant Classification Sherloc (09022015). Collection method: clinical testing. Allele origin: germline.
Comment: This sequence change replaces threonine, which is neutral and polar, with isoleucine, which is neutral and non-polar, at codon 153 of the CDK4 protein (p.Thr153Ile). This variant is not present in population databases (gnomAD no frequency). This variant has not been reported in the literature in individuals affected with CDK4-related conditions. ClinVar contains an entry for this variant (Variation ID: 483279). Invitae Evidence Modeling of protein sequence and biophysical properties (such as structural, functional, and spatial information, amino acid conservation, physicochemical variation, residue mobility, and thermodynamic stability) indicates that this missense variant is not expected to disrupt CDK4 protein function with a negative predictive value of 95%. In summary, the available evidence is currently insufficient to determine the role of this variant in disease. Therefore, it has been classified as a Variant of Uncertain Significance.

Ambry Genetics
Classification: Uncertain significance for Hereditary cancer-predisposing syndrome. Last evaluated: 2024-08-01. Review status: criteria provided, single submitter. Criteria: Ambry Variant Classification Scheme 2023. Collection method: clinical testing. Allele origin: germline.
Comment: The p.T153I variant (also known as c.458C>T), located in coding exon 3 of the CDK4 gene, results from a C to T substitution at nucleotide position 458. The threonine at codon 153 is replaced by isoleucine, an amino acid with similar properties. This amino acid position is not well conserved in available vertebrate species. In addition, this alteration is predicted to be tolerated by in silico analysis. Since supporting evidence is limited at this time, the clinical significance of this alteration remains unclear.

Quest Diagnostics Nichols Institute San Juan Capistrano
Classification: Uncertain significance. Last evaluated: 2020-07-16. Review status: criteria provided, single submitter. Criteria: Quest Diagnostics criteria. Collection method: clinical testing. Allele origin: unknown.